The following is an entry in ClinVar:

NM_004415.4(DSP):c.6945C>T (p.Ala2315=)

Gene: DSP (desmoplakin; plus strand). Cytogenetic location: 6p24.3.
Variant type: single nucleotide variant.
Coding change: c.6945C>T on transcript NM_004415.4 (MANE Select); coding-DNA position 6945, C replaced by T.
Protein change: p.Ala2315=; no amino-acid change (alanine 2315 retained).
Molecular consequence: synonymous variant.
Genome position (GRCh38, 1-based): chr6:7,584,207, C>T. VCF-style: chr6-7584207-C-T. GRCh37 (hg19) VCF-style: chr6-7584440-C-T.
Other names: c.5148C>T, p.Ala1716= (NM_001008844.3); c.5616C>T, p.Ala1872= (NM_001319034.2).
Identifiers: ClinVar variation 3386710 (VCV003386710.1).

ClinVar aggregate classification (germline): Likely benign (1 of 4 stars; one submission).

Conditions:
Arrhythmogenic cardiomyopathy with wooly hair and keratoderma. Also called: Carvajal syndrome; PALMOPLANTAR KERATODERMA WITH LEFT VENTRICULAR CARDIOMYOPATHY AND WOOLLY HAIR; Dilated cardiomyopathy with woolly hair and keratoderma; Arrhythmogenic cardiomyopathy with woolly hair and keratoderma. Identifiers: Orphanet 65282, MedGen C1854063, MONDO:0011581, OMIM 605676.

Submission:

All of Us Research Program, National Institutes of Health
Classification: Likely benign for Arrhythmogenic cardiomyopathy with wooly hair and keratoderma. Last evaluated: 2024-03-14. Review status: criteria provided, single submitter. Criteria: ACMG Guidelines, 2015. Collection method: clinical testing. Allele origin: germline. Inheritance: Autosomal dominant inheritance. Observed: 1 variant allele, 1 heterozygote.
Comment: This study involves interpretation of variants in research participants for the purpose of population health screening. Participant phenotype was not available at the time of variant classification. Additional details can be found in publication PMID: 35346344, PMCID: PMC8962531